The following is an entry in ClinVar:

NM_021728.4(OTX2):c.721C>T (p.Gln241Ter)

Gene: OTX2 (orthodenticle homeobox 2; minus strand). Cytogenetic location: 14q22.3.
Variant type: single nucleotide variant.
Coding change: c.721C>T on transcript NM_021728.4 (MANE Select); coding-DNA position 721, C replaced by T.
Protein change: p.Gln241Ter; replaces glutamine 241 with a stop codon.
Molecular consequence: nonsense. On other transcripts: non-coding transcript variant (2).
Genome position (GRCh38, 1-based): chr14:56,801,908, G>A on the plus strand (C>T on the coding strand, the complement: OTX2 is on the minus strand). VCF-style: chr14-56801908-G-A. GRCh37 (hg19) VCF-style: chr14-57268626-G-A.
Other names: c.697C>T, p.Gln233Ter (NM_001270523.2, NM_001270524.2, NM_172337.3); c.721C>T, p.Gln241Ter (NM_001270525.2); short protein forms Q233*, Q241*.
Identifiers: ClinVar variation 2017389 (VCV002017389.4), dbSNP rs2503894370, ClinGen allele CA390051261.

ClinVar aggregate classification (germline): Pathogenic (1 of 4 stars; one submission).

Conditions:
Anophthalmia-microphthalmia syndrome. Also called: Anophthalmia/Microphthalmia; Anophthalmia - microphthalmia. Identifiers: Orphanet 98555, MedGen C5680330, MONDO:0020147.

Submission:

Labcorp Genetics (formerly Invitae), Labcorp
Classification: Pathogenic for Anophthalmia-microphthalmia syndrome. Last evaluated: 2022-07-15. Review status: criteria provided, single submitter. Criteria: Invitae Variant Classification Sherloc (09022015). Collection method: clinical testing. Allele origin: germline.
Comment: This sequence change creates a premature translational stop signal (p.Gln233*) in the OTX2 gene. While this is not anticipated to result in nonsense mediated decay, it is expected to disrupt the last 57 amino acid(s) of the OTX2 protein. This variant is not present in population databases (gnomAD no frequency). This variant has not been reported in the literature in individuals affected with OTX2-related conditions. This variant disrupts a region of the OTX2 protein in which other variant(s) (p.Ala236Ser) have been determined to be pathogenic (Invitae). This suggests that this is a clinically significant region of the protein, and that variants that disrupt it are likely to be disease-causing. For these reasons, this variant has been classified as Pathogenic.